The following is an entry in ClinVar:

ClinVar aggregate classification (germline): Uncertain significance (1 of 4 stars; one submission).

Submission:

Labcorp Genetics (formerly Invitae), Labcorp
Classification: Uncertain significance. Last evaluated: 2024-11-18. Review status: criteria provided, single submitter. Criteria: Invitae Variant Classification Sherloc (09022015). Collection method: clinical testing. Allele origin: germline.
Comment: This sequence change replaces alanine, which is neutral and non-polar, with threonine, which is neutral and polar, at codon 7 of the HELLS protein (p.Ala7Thr). This variant is not present in population databases (gnomAD no frequency). This variant has not been reported in the literature in individuals affected with HELLS-related conditions. ClinVar contains an entry for this variant (Variation ID: 1716408). An algorithm developed to predict the effect of missense changes on protein structure and function (PolyPhen-2) suggests that this variant is likely to be tolerated. In summary, the available evidence is currently insufficient to determine the role of this variant in disease. Therefore, it has been classified as a Variant of Uncertain Significance.

NM_018063.5(HELLS):c.19G>A (p.Ala7Thr)

Gene: HELLS (helicase, lymphoid specific; plus strand). Cytogenetic location: 10q23.33.
Variant type: single nucleotide variant.
Coding change: c.19G>A on transcript NM_018063.5 (MANE Select); coding-DNA position 19, G replaced by A.
Protein change: p.Ala7Thr; replaces alanine 7 with threonine.
Molecular consequence: missense variant. On other transcripts: 5 prime UTR variant (4), intron variant (1).
Genome position (GRCh38, 1-based): chr10:94,545,940, G>A. VCF-style: chr10-94545940-G-A. GRCh37 (hg19) VCF-style: chr10-96305697-G-A.
Other names: c.19G>A, p.Ala7Thr (NM_001289067.2, NM_001289069.2, NM_001289070.2 and 1 more transcripts); c.-398G>A (NM_001289071.2); c.-331G>A (NM_001289073.2); c.-984G>A (NM_001289074.2); c.-1003G>A (NM_001289075.2); c.-18+33G>A (NM_001289068.2); short protein forms A7T.
Identifiers: ClinVar variation 1716408 (VCV001716408.5), dbSNP rs1842729502, ClinGen allele CA377660768.